The following is an entry in ClinVar:

NM_004793.4(LONP1):c.622G>A (p.Val208Ile)

Gene: LONP1 (lon peptidase 1, mitochondrial; minus strand). Cytogenetic location: 19p13.3.
Variant type: single nucleotide variant.
Coding change: c.622G>A on transcript NM_004793.4 (MANE Select); coding-DNA position 622, G replaced by A.
Protein change: p.Val208Ile; replaces valine 208 with isoleucine.
Molecular consequence: missense variant. On other transcripts: non-coding transcript variant (1).
Genome position (GRCh38, 1-based): chr19:5,713,150, C>T on the plus strand (G>A on the coding strand, the complement: LONP1 is on the minus strand). VCF-style: chr19-5713150-C-T. GRCh37 (hg19) VCF-style: chr19-5713161-C-T.
Other names: c.430G>A, p.Val144Ile (NM_001276479.2); c.34G>A, p.Val12Ile (NM_001276480.1); short protein forms V12I, V144I, V208I.
Identifiers: ClinVar variation 3389196 (VCV003389196.15).

ClinVar aggregate classification (germline): Conflicting classifications of pathogenicity. Review status: criteria provided, conflicting classifications (1 of 4 stars). 2 submissions from 2 submitters: Uncertain significance (1); Likely benign (1). Last evaluated 2025-11-24.

gnomAD v4.1: 9 of 1,613,482 alleles (0.00056%); highest among the groups gnomAD compares: African/African-American, 0.0053%; no homozygotes.

Submissions (2):

Labcorp Genetics (formerly Invitae), Labcorp
Classification: Likely benign. Last evaluated: 2025-11-24. Review status: criteria provided, single submitter. Criteria: Invitae Variant Classification Sherloc (09022015). Collection method: clinical testing. Allele origin: germline.

CeGaT Center for Human Genetics Tuebingen
Classification: Uncertain significance. Last evaluated: 2024-09-01. Review status: criteria provided, single submitter. Criteria: CeGaT Center For Human Genetics Tuebingen Variant Classification Criteria Version 2. Collection method: clinical testing. Allele origin: germline. Affected: yes. Observed: 1 variant allele.
Comment: LONP1: PM2